The following is an entry in ClinVar:

ClinVar aggregate classification (germline): Uncertain significance (1 of 4 stars; one submission).

gnomAD v4.1: 11 of 1,613,692 alleles (0.00068%); highest among the groups gnomAD compares: Non-Finnish European, 0.00093%; no homozygotes.

Submission:

Labcorp Genetics (formerly Invitae), Labcorp
Classification: Uncertain significance. Last evaluated: 2025-10-08. Review status: criteria provided, single submitter. Criteria: Invitae Variant Classification Sherloc (09022015). Collection method: clinical testing. Allele origin: germline.
Comment: This sequence change replaces serine, which is neutral and polar, with proline, which is neutral and non-polar, at codon 434 of the DYM protein (p.Ser434Pro). This variant is present in population databases (no rsID available, gnomAD 0.0009%). This variant has not been reported in the literature in individuals affected with DYM-related conditions. ClinVar contains an entry for this variant (Variation ID: 1902605). Invitae Evidence Modeling of protein sequence and biophysical properties (such as structural, functional, and spatial information, amino acid conservation, physicochemical variation, residue mobility, and thermodynamic stability) indicates that this missense variant is not expected to disrupt DYM protein function with a negative predictive value of 80%. In summary, the available evidence is currently insufficient to determine the role of this variant in disease. Therefore, it has been classified as a Variant of Uncertain Significance.

NM_001353214.3(DYM):c.1300T>C (p.Ser434Pro)

Gene: DYM (dymeclin; minus strand). Cytogenetic location: 18q21.1.
Variant type: single nucleotide variant.
Coding change: c.1300T>C on transcript NM_001353214.3 (MANE Select); coding-DNA position 1300, T replaced by C.
Protein change: p.Ser434Pro; replaces serine 434 with proline.
Molecular consequence: missense variant.
Genome position (GRCh38, 1-based): chr18:49,258,445, A>G on the plus strand (T>C on the coding strand, the complement: DYM is on the minus strand). VCF-style: chr18-49258445-A-G. GRCh37 (hg19) VCF-style: chr18-46784815-A-G.
Other names: c.1297T>C, p.Ser433Pro (NM_001353210.3, NM_001353211.3, NM_001353212.3 and 3 more transcripts); c.1300T>C, p.Ser434Pro (NM_001353215.3, NM_001353216.3, NM_001374428.1 and 5 more transcripts); c.1294T>C, p.Ser432Pro (NM_001374429.1, NM_001374439.1); c.1174T>C, p.Ser392Pro (NM_001374432.1, NM_001374436.1); c.1117T>C, p.Ser373Pro (NM_001374437.1); c.1072T>C, p.Ser358Pro (NM_001374440.1); c.730T>C, p.Ser244Pro (NM_001374441.1, NM_001374442.1, NM_001374444.1); c.727T>C, p.Ser243Pro (NM_001374443.1); short protein forms S244P, S392P, S373P, S433P, S434P, S243P, S358P, S432P.
Identifiers: ClinVar variation 1902605 (VCV001902605.3), dbSNP rs1281514710, ClinGen allele CA402506846.